The following is an entry in ClinVar:

ClinVar aggregate classification (germline): Conflicting classifications of pathogenicity. Review status: criteria provided, conflicting classifications (1 of 4 stars). 3 submissions from 3 submitters: Uncertain significance (1); Likely benign (2). Last evaluated 2024-06-21.

Conditions:
Inborn genetic diseases. Identifiers: MedGen C0950123, MeSH D030342.

Allele frequency attached by ClinVar (database versions not stated): TOPMed 0.00014; gnomAD 0.00017; gnomAD exomes 0.00028; ExAC 0.00048.
gnomAD v4.1: 422 of 1,609,214 alleles (0.026%); highest among the groups gnomAD compares: Non-Finnish European, 0.035%; no homozygotes.

Submissions (3):

Blueprint Genetics
Classification: Likely benign. Last evaluated: 2024-06-21. Review status: criteria provided, single submitter. Criteria: ACMG Guidelines, 2015. Collection method: clinical testing. Allele origin: germline.

CeGaT Center for Human Genetics Tuebingen
Classification: Likely benign. Last evaluated: 2024-01-01. Review status: criteria provided, single submitter. Criteria: CeGaT Center For Human Genetics Tuebingen Variant Classification Criteria Version 2. Collection method: clinical testing. Allele origin: germline. Affected: yes. Observed: 1 variant allele.
Comment: DDX11: BP4

Ambry Genetics
Classification: Uncertain significance for Inborn genetic diseases. Last evaluated: 2021-08-02. Review status: criteria provided, single submitter. Criteria: Ambry Variant Classification Scheme 2023. Collection method: clinical testing. Allele origin: germline.

NM_030653.4(DDX11):c.499A>G (p.Arg167Gly)

Gene: DDX11 (DEAD/H-box helicase 11; plus strand). Cytogenetic location: 12p11.21.
Variant type: single nucleotide variant.
Coding change: c.499A>G on transcript NM_030653.4 (MANE Select); coding-DNA position 499, A replaced by G.
Protein change: p.Arg167Gly; replaces arginine 167 with glycine.
Molecular consequence: missense variant.
Genome position (GRCh38, 1-based): chr12:31,084,987, A>G. VCF-style: chr12-31084987-A-G. GRCh37 (hg19) VCF-style: chr12-31237921-A-G.
Other names: c.499A>G, p.Arg167Gly (NM_001257144.2, NM_001413692.1, NM_001413693.1 and 5 more transcripts); c.421A>G, p.Arg141Gly (NM_001257145.2, NM_001413697.1, NM_001413698.1 and 1 more transcripts); c.412A>G, p.Arg138Gly (NM_001413700.1); c.-30A>G (NM_001413702.1, NM_001413703.1); c.-562A>G (NM_001413704.1, NM_001413705.1); c.-380A>G (NM_001413706.1); short protein forms R138G, R141G, R167G.
Identifiers: ClinVar variation 2355914 (VCV002355914.25), dbSNP rs757579341, ClinGen allele CA6500791.